The following is an entry in ClinVar:

NM_002427.4(MMP13):c.1050A>T (p.Arg350Ser)

Gene: MMP13 (matrix metallopeptidase 13; minus strand). Cytogenetic location: 11q22.2.
Variant type: single nucleotide variant.
Coding change: c.1050A>T on transcript NM_002427.4 (MANE Select); coding-DNA position 1050, A replaced by T.
Protein change: p.Arg350Ser; replaces arginine 350 with serine.
Molecular consequence: missense variant.
Genome position (GRCh38, 1-based): chr11:102,949,026, T>A on the plus strand (A>T on the coding strand, the complement: MMP13 is on the minus strand). VCF-style: chr11-102949026-T-A. GRCh37 (hg19) VCF-style: chr11-102819755-T-A.
Other names: short protein forms R350S.
Identifiers: ClinVar variation 2811152 (VCV002811152.3), dbSNP rs1555017004, ClinGen allele CA382227616.

ClinVar aggregate classification (germline): Uncertain significance (1 of 4 stars; one submission).

Allele frequency attached by ClinVar (database versions not stated): gnomAD exomes below 0.00001.

Submission:

Labcorp Genetics (formerly Invitae), Labcorp
Classification: Uncertain significance. Last evaluated: 2023-01-03. Review status: criteria provided, single submitter. Criteria: Invitae Variant Classification Sherloc (09022015). Collection method: clinical testing. Allele origin: germline.
Comment: This sequence change replaces arginine, which is basic and polar, with serine, which is neutral and polar, at codon 350 of the MMP13 protein (p.Arg350Ser). This variant is present in population databases (no rsID available, gnomAD 0.002%). In summary, the available evidence is currently insufficient to determine the role of this variant in disease. Therefore, it has been classified as a Variant of Uncertain Significance. Algorithms developed to predict the effect of missense changes on protein structure and function are either unavailable or do not agree on the potential impact of this missense change (SIFT: "Tolerated"; PolyPhen-2: "Possibly Damaging"; Align-GVGD: "Class C0"). This variant has not been reported in the literature in individuals affected with MMP13-related conditions.